The following is an entry in ClinVar:

ClinVar aggregate classification (germline): Likely benign (1 of 4 stars; one submission).

Conditions:
INF2-related disorder. Also called: INF2-related condition.

gnomAD v4.1: 6 of 1,613,028 alleles (0.00037%); highest among the groups gnomAD compares: East Asian, 0.0022%; no homozygotes.

Submission:

PreventionGenetics, part of Exact Sciences
Classification: Likely benign for INF2-related condition. Last evaluated: 2024-11-04. Review status: criteria provided, single submitter. Criteria: ACMG Guidelines, 2015. Collection method: clinical testing. Allele origin: germline.
Comment: This variant is classified as likely benign based on ACMG/AMP sequence variant interpretation guidelines (Richards et al. 2015 PMID: 25741868, with internal and published modifications).

NM_022489.4(INF2):c.*2-10T>C

Gene: INF2 (inverted formin 2; plus strand). Cytogenetic location: 14q32.33.
Variant type: single nucleotide variant.
Coding change: c.*2-10T>C on transcript NM_022489.4 (MANE Select); 10 bases into the intron before 2 bases downstream of the stop codon, T replaced by C.
Molecular consequence: intron variant.
Genome position (GRCh38, 1-based): chr14:104,718,785, T>C. VCF-style: chr14-104718785-T-C. GRCh37 (hg19) VCF-style: chr14-105185122-T-C.
Other names: c.*2-10T>C (NM_001426863.1, NM_001426864.1); c.3695-10T>C (NM_001426865.1, NM_001031714.4); c.3779-10T>C (NM_001426862.1).
Identifiers: ClinVar variation 4985986 (VCV004985986.1).
Genomic context (GRCh38, chr14:104,718,785, plus strand): 5'-AGAAGCGGGCACCTGATATTGTACCCAGCAAAACTGCTCCTAATAATGTCATTTTTTCTC[T>C]CTCTTACAGGCCTCAGGCCCAGGCCCAAGGCCAAGTGAGAGAGCCCAGGCCACAGGACAT-3'